The following is an entry in ClinVar:

ClinVar aggregate classification (germline): Uncertain significance (1 of 4 stars; one submission).

Submission:

Labcorp Genetics (formerly Invitae), Labcorp
Classification: Uncertain significance. Last evaluated: 2023-08-10. Review status: criteria provided, single submitter. Criteria: Invitae Variant Classification Sherloc (09022015). Collection method: clinical testing. Allele origin: unknown.
Comment: This variant is a gross deletion of the genomic region encompassing exon(s) 2-4 of the LONP1 gene. This variant would be expected to be in-frame, preserving the integrity of the reading frame. This variant has not been reported in the literature in individuals affected with LONP1-related conditions. Experimental studies and prediction algorithms are not available or were not evaluated, and the functional significance of this variant is currently unknown. In summary, the available evidence is currently insufficient to determine the role of this variant in disease. Therefore, it has been classified as a Variant of Uncertain Significance.

NC_000019.9:g.(?_5711762)_(5714302_?)del

Gene: LONP1 (lon peptidase 1, mitochondrial; minus strand). Cytogenetic location: 19p13.3.
Variant type: Deletion.
Identifiers: ClinVar variation 3242682 (VCV003242682.1).